The following is an entry in ClinVar:

ClinVar aggregate classification (germline): Likely benign (0 of 4 stars; one submission).

Conditions:
RREB1-related disorder. Also called: RREB1-related condition.

Allele frequency attached by ClinVar (database versions not stated): ExAC 0.00004; gnomAD 0.00004; TOPMed 0.00004.
gnomAD v4.1: 126 of 1,614,026 alleles (0.0078%); highest among the groups gnomAD compares: Middle Eastern, 0.099%; no homozygotes.

Submission:

PreventionGenetics, part of Exact Sciences
Classification: Likely benign for RREB1-related condition. Last evaluated: 2019-09-17. Review status: no assertion criteria provided. Collection method: clinical testing. Allele origin: germline.
Comment: This variant is classified as likely benign based on ACMG/AMP sequence variant interpretation guidelines (Richards et al. 2015 PMID: 25741868, with internal and published modifications).

NM_001003699.4(RREB1):c.69G>A (p.Ala23=)

Gene: RREB1 (ras responsive element binding protein 1; plus strand). Cytogenetic location: 6p24.3.
Variant type: single nucleotide variant.
Coding change: c.69G>A on transcript NM_001003699.4 (MANE Select); coding-DNA position 69, G replaced by A.
Protein change: p.Ala23=; no amino-acid change (alanine 23 retained).
Molecular consequence: synonymous variant.
Genome position (GRCh38, 1-based): chr6:7,181,980, G>A. VCF-style: chr6-7181980-G-A. GRCh37 (hg19) VCF-style: chr6-7182213-G-A.
Other names: c.69G>A, p.Ala23= (NM_001003698.4, NM_001003700.2, NM_001168344.2).
Identifiers: ClinVar variation 3040373 (VCV003040373.2), dbSNP rs116821538, ClinGen allele CA3625134.
Genomic context (GRCh38, chr6:7,181,980, plus strand): 5'-AAGTTCGCCCGCTGGCTTGGAAGGTTCAGACCTATCTTCCATCAACACCATGATGTCGGC[G>A]GTCATGAGTGTAGGGAAGGTCACAGAGAATGGCGGGAGCCCCCAGGGGATCAAGTCCCCC-3'
Protein context (NP_001003699.1, residues 13-33): DLSSINTMMS[Ala23=]VMSVGKVTEN